The following is an entry in ClinVar:

ClinVar aggregate classification (germline): Uncertain significance. Review status: criteria provided, multiple submitters, no conflicts (2 of 4 stars). 2 submissions from 2 submitters: Uncertain significance (2). Last evaluated 2023-12-08.

Conditions:
Usher syndrome type 2C. Also called: Usher syndrome, type 2B; USHER SYNDROME, TYPE IIC. Identifiers: Orphanet 231178, Orphanet 886, MedGen C2931213, MONDO:0011558, OMIM 605472.

Allele frequency attached by ClinVar (database versions not stated): gnomAD exomes below 0.00001; gnomAD 0.00001; TOPMed 0.00001.
gnomAD v4.1: 4 of 1,613,840 alleles (0.00025%); highest among the groups gnomAD compares: Non-Finnish European, 0.00034%; no homozygotes.

Submissions (2):

GeneDx
Classification: Uncertain significance. Last evaluated: 2023-12-08. Review status: criteria provided, single submitter. Criteria: GeneDx Variant Classification Process June 2021. Collection method: clinical testing. Allele origin: germline. Affected: yes.
Comment: Not observed at significant frequency in large population cohorts (gnomAD); In silico analysis supports that this missense variant does not alter protein structure/function; Has not been previously published as pathogenic or benign to our knowledge

Illumina Laboratory Services, Illumina
Classification: Uncertain significance for Usher syndrome type 2C. Last evaluated: 2018-01-12. Review status: criteria provided, single submitter. Criteria: ICSL Variant Classification Criteria 13 December 2019. Collection method: clinical testing. Allele origin: germline.

NM_032119.4(ADGRV1):c.3185T>C (p.Ile1062Thr)

Gene: ADGRV1 (adhesion G protein-coupled receptor V1; plus strand). Cytogenetic location: 5q14.3.
Variant type: single nucleotide variant.
Coding change: c.3185T>C on transcript NM_032119.4 (MANE Select); coding-DNA position 3185, T replaced by C.
Protein change: p.Ile1062Thr; replaces isoleucine 1062 with threonine.
Molecular consequence: missense variant. On other transcripts: non-coding transcript variant (1).
Genome position (GRCh38, 1-based): chr5:90,647,660, T>C. VCF-style: chr5-90647660-T-C. GRCh37 (hg19) VCF-style: chr5-89943477-T-C.
Other names: short protein forms I1062T.
Identifiers: ClinVar variation 903719 (VCV000903719.6), dbSNP rs1018814935, ClinGen allele CA121836265.